The following is an entry in ClinVar:

NM_002180.3(IGHMBP2):c.2495C>T (p.Thr832Met)

Gene: IGHMBP2 (immunoglobulin mu DNA binding protein 2; plus strand). Cytogenetic location: 11q13.3.
Variant type: single nucleotide variant.
Coding change: c.2495C>T on transcript NM_002180.3 (MANE Select); coding-DNA position 2495, C replaced by T.
Protein change: p.Thr832Met; replaces threonine 832 with methionine.
Molecular consequence: missense variant.
Genome position (GRCh38, 1-based): chr11:68,936,975, C>T. VCF-style: chr11-68936975-C-T. GRCh37 (hg19) VCF-style: chr11-68704443-C-T.
Other names: short protein forms T832M.
Identifiers: ClinVar variation 935270 (VCV000935270.8), dbSNP rs751046981, ClinGen allele CA6153921.

ClinVar aggregate classification (germline): Uncertain significance. Review status: criteria provided, multiple submitters, no conflicts (2 of 4 stars). 3 submissions from 3 submitters: Uncertain significance (3). Last evaluated 2025-05-19.

Conditions:
Inborn genetic diseases. Identifiers: MedGen C0950123, MeSH D030342.
Autosomal recessive distal spinal muscular atrophy 1. Also called: NEURONOPATHY, DISTAL HEREDITARY MOTOR, HARDING TYPE VI; NEUROPATHY, DISTAL HEREDITARY MOTOR, AUTOSOMAL RECESSIVE 1; NEURONOPATHY, SEVERE INFANTILE AXONAL, WITH RESPIRATORY FAILURE; SEVERE INFANTILE AXONAL NEUROPATHY WITH RESPIRATORY FAILURE; SPINAL MUSCULAR ATROPHY, DIAPHRAGMATIC; Spinal muscular atrophy with respiratory distress 1. Identifiers: Orphanet 98920, MedGen C1858517, MONDO:0011436, OMIM 604320.
Charcot-Marie-Tooth disease axonal type 2S. Also called: CHARCOT-MARIE-TOOTH DISEASE, AXONAL, AUTOSOMAL RECESSIVE, TYPE 2S; CHARCOT-MARIE-TOOTH NEUROPATHY, TYPE 2S. Identifiers: Orphanet 443073, MedGen C4015349, MONDO:0014511, OMIM 616155.

Allele frequency attached by ClinVar (database versions not stated): gnomAD 0.00003 and 0.00004; gnomAD exomes 0.00003 and 0.00005; TOPMed 0.00003; ExAC 0.00005.
gnomAD v4.1: 49 of 1,607,398 alleles (0.003%); highest among the groups gnomAD compares: East Asian, 0.016%; no homozygotes.

Submissions (3):

Ambry Genetics
Classification: Uncertain significance for Inborn genetic diseases. Last evaluated: 2025-05-19. Review status: criteria provided, single submitter. Criteria: Ambry Variant Classification Scheme 2023. Collection method: clinical testing. Allele origin: germline.

Labcorp Genetics (formerly Invitae), Labcorp
Classification: Uncertain significance for Autosomal recessive distal spinal muscular atrophy 1; Charcot-Marie-Tooth disease axonal type 2S. Last evaluated: 2022-07-08. Review status: criteria provided, single submitter. Criteria: Invitae Variant Classification Sherloc (09022015). Collection method: clinical testing. Allele origin: germline.
Comment: This sequence change replaces threonine, which is neutral and polar, with methionine, which is neutral and non-polar, at codon 832 of the IGHMBP2 protein (p.Thr832Met). This variant is present in population databases (rs751046981, gnomAD 0.04%). This variant has not been reported in the literature in individuals affected with IGHMBP2-related conditions. ClinVar contains an entry for this variant (Variation ID: 935270). Advanced modeling of protein sequence and biophysical properties (such as structural, functional, and spatial information, amino acid conservation, physicochemical variation, residue mobility, and thermodynamic stability) performed at Invitae indicates that this missense variant is not expected to disrupt IGHMBP2 protein function. In summary, the available evidence is currently insufficient to determine the role of this variant in disease. Therefore, it has been classified as a Variant of Uncertain Significance.

Revvity Omics, Revvity
Classification: Uncertain significance. Last evaluated: 2021-10-21. Review status: criteria provided, single submitter. Criteria: ACMG Guidelines, 2015. Collection method: clinical testing. Allele origin: germline.